The following is an entry in ClinVar:

ClinVar aggregate classification (germline): Uncertain significance (1 of 4 stars; one submission).

Conditions:
Bailey-Bloch congenital myopathy (CMYO13). Also called: STAC3 disorder; Native American myopathy; Congenital myopathy 13. Identifiers: Orphanet 168572, MedGen C1850625, MONDO:0009722, OMIM 255995.

Submission:

Labcorp Genetics (formerly Invitae), Labcorp
Classification: Uncertain significance for Bailey-Bloch congenital myopathy. Last evaluated: 2023-10-22. Review status: criteria provided, single submitter. Criteria: Invitae Variant Classification Sherloc (09022015). Collection method: clinical testing. Allele origin: germline.
Comment: This sequence change replaces arginine, which is basic and polar, with threonine, which is neutral and polar, at codon 139 of the STAC3 protein (p.Arg139Thr). This variant is not present in population databases (gnomAD no frequency). This variant has not been reported in the literature in individuals affected with STAC3-related conditions. Advanced modeling of protein sequence and biophysical properties (such as structural, functional, and spatial information, amino acid conservation, physicochemical variation, residue mobility, and thermodynamic stability) performed at Invitae indicates that this missense variant is not expected to disrupt STAC3 protein function. In summary, the available evidence is currently insufficient to determine the role of this variant in disease. Therefore, it has been classified as a Variant of Uncertain Significance.

NM_145064.3(STAC3):c.416G>C (p.Arg139Thr)

Gene: STAC3 (SH3 and cysteine rich domain 3; minus strand). Cytogenetic location: 12q13.3.
Variant type: single nucleotide variant.
Coding change: c.416G>C on transcript NM_145064.3 (MANE Select); coding-DNA position 416, G replaced by C.
Protein change: p.Arg139Thr; replaces arginine 139 with threonine.
Molecular consequence: missense variant. On other transcripts: intron variant (1).
Genome position (GRCh38, 1-based): chr12:57,248,722, C>G on the plus strand (G>C on the coding strand, the complement: STAC3 is on the minus strand). VCF-style: chr12-57248722-C-G. GRCh37 (hg19) VCF-style: chr12-57642505-C-G.
Other names: c.299G>C, p.Arg100Thr (NM_001286256.2); c.-126-524G>C (NM_001286257.2); short protein forms R100T, R139T.
Identifiers: ClinVar variation 2771036 (VCV002771036.3), dbSNP rs2548120594, ClinGen allele CA385415782.
Genomic context (GRCh38, chr12:57,248,722, plus strand): 5'-CACGCGTGGCCATGTCCCCTCCTTGCTCTCCACAGCCTACTCACGATCTTGCCGAAGCAT[C>G]TCTGCATTTCCACATAGGACTGACAGTGTTCATGGATGTTGGTTTTGCAGTTCTTACAGC-3'
Protein context (NP_659501.1, residues 129-149): EHCQSYVEMQ[Arg139Thr]CFGKIPPGFH